The following is an entry in ClinVar:

ClinVar aggregate classification (germline): Uncertain significance (1 of 4 stars; one submission).

gnomAD v4.1: 52 of 1,613,788 alleles (0.0032%); highest among the groups gnomAD compares: Non-Finnish European, 0.0044%; no homozygotes.

Submission:

Labcorp Genetics (formerly Invitae), Labcorp
Classification: Uncertain significance. Last evaluated: 2025-07-09. Review status: criteria provided, single submitter. Criteria: Invitae Variant Classification Sherloc (09022015). Collection method: clinical testing. Allele origin: germline.
Comment: This sequence change replaces threonine, which is neutral and polar, with lysine, which is basic and polar, at codon 262 of the SLC10A2 protein (p.Thr262Lys). This variant is present in population databases (rs72547505, gnomAD 0.0009%). This variant has not been reported in the literature in individuals affected with SLC10A2-related conditions. ClinVar contains an entry for this variant (Variation ID: 2878315). Invitae Evidence Modeling of protein sequence and biophysical properties (such as structural, functional, and spatial information, amino acid conservation, physicochemical variation, residue mobility, and thermodynamic stability) indicates that this missense variant is expected to disrupt SLC10A2 protein function with a positive predictive value of 80%. In summary, the available evidence is currently insufficient to determine the role of this variant in disease. Therefore, it has been classified as a Variant of Uncertain Significance.

NM_000452.3(SLC10A2):c.785C>A (p.Thr262Lys)

Gene: SLC10A2 (solute carrier family 10 member 2; minus strand). Cytogenetic location: 13q33.1.
Variant type: single nucleotide variant.
Coding change: c.785C>A on transcript NM_000452.3 (MANE Select); coding-DNA position 785, C replaced by A.
Protein change: p.Thr262Lys; replaces threonine 262 with lysine.
Molecular consequence: missense variant.
Genome position (GRCh38, 1-based): chr13:103,049,423, G>T on the plus strand (C>A on the coding strand, the complement: SLC10A2 is on the minus strand). VCF-style: chr13-103049423-G-T. GRCh37 (hg19) VCF-style: chr13-103701773-G-T.
Other names: short protein forms T262K.
Identifiers: ClinVar variation 2878315 (VCV002878315.3), dbSNP rs72547505, ClinGen allele CA255201947.